The following is an entry in ClinVar:

NM_001384732.1(CPLANE1):c.8425_8426insG (p.Thr2809fs)

Gene: CPLANE1 (ciliogenesis and planar polarity effector complex subunit 1; minus strand). Cytogenetic location: 5p13.2.
Variant type: Insertion.
Coding change: c.8425_8426insG on transcript NM_001384732.1 (MANE Select); coding-DNA positions 8425 to 8426, G inserted.
Protein change: p.Thr2809fs; shifts the reading frame from threonine 2809.
Molecular consequence: frameshift variant.
Genome position: GRCh38 VCF-style: chr5-37148216-G-GC. GRCh37 (hg19) VCF-style: chr5-37148318-G-GC.
Other names: c.8263_8264insG, p.Thr2755fs (NM_023073.4); short protein forms T2755fs, T2809fs.
Identifiers: ClinVar variation 217565 (VCV000217565.13), dbSNP rs1554064102, ClinGen allele CA277690.

ClinVar aggregate classification (germline): Pathogenic. Review status: criteria provided, multiple submitters, no conflicts (2 of 4 stars). 6 submissions from 6 submitters: Pathogenic (6). Last evaluated 2026-04-14.

Conditions:
CPLANE1-related disorder. Also called: CPLANE1-related condition.
C5ORF42-related disorders.
Joubert syndrome and related disorders. Identifiers: Orphanet 140874, MedGen C5679612, MONDO:0015369.
Orofaciodigital syndrome type 6 (OFD6). Also called: Central polydactyly cleft lip/palate or lingual lump and psychomotor retardation; Y-shaped central metacarpal and cerebellar defect; Joubert syndrome with orofacialdigital anomalies; OROFACIODIGITAL SYNDROME VI; OFDS VI; POLYDACTYLY, CLEFT LIP/PALATE OR LINGUAL LUMP, AND PSYCHOMOTOR RETARDATION. Identifiers: Orphanet 2754, MedGen C2745997, MONDO:0010176, OMIM 277170.
Joubert syndrome 17 (JBTS17). Identifiers: Orphanet 475, MedGen C3553264, MONDO:0013824, OMIM 614615.

Allele frequency attached by ClinVar (database versions not stated): gnomAD exomes below 0.00001 and 0.00001; gnomAD 0.00001; ESP Exome Variant Server 0.00008.

Submissions (6):

Women's Health and Genetics/Laboratory Corporation of America, LabCorp
Classification: Pathogenic for Joubert syndrome and related disorders. Last evaluated: 2026-04-14. Review status: criteria provided, single submitter. Criteria: LabCorp Variant Classification Summary - May 2015. Collection method: clinical testing. Allele origin: germline.
Comment: Variant summary: CPLANE1 c.8263_8264insG (p.Thr2755SerfsX8) results in a premature termination codon, predicted to cause a truncation of the encoded protein or absence of the protein due to nonsense mediated decay, which are commonly known mechanisms for disease. The variant allele was found at a frequency of 8.7e-06 in 1612608 control chromosomes. This frequency is not significantly higher than estimated for disease-causing variants in CPLANE1, allowing no conclusion about variant significance. c.8263_8264insG has been observed in individuals affected with Joubert Syndrome And Related Disorders (e.g.Fleming_2017). These data indicate that the variant is likely associated with disease. To our knowledge, no experimental evidence demonstrating an impact on protein function has been reported. The following publication has been ascertained in the context of this evaluation (PMID: 29146704). ClinVar contains an entry for this variant (Variation ID: 217565). Based on the evidence outlined above, the variant was classified as pathogenic.

Labcorp Genetics (formerly Invitae), Labcorp
Classification: Pathogenic. Last evaluated: 2025-04-01. Review status: criteria provided, single submitter. Criteria: Invitae Variant Classification Sherloc (09022015). Collection method: clinical testing. Allele origin: germline.
Comment: This sequence change creates a premature translational stop signal (p.Thr2755Serfs*8) in the CPLANE1 gene. It is expected to result in an absent or disrupted protein product. Loss-of-function variants in CPLANE1 are known to be pathogenic (PMID: 24178751, 26092869). This variant is present in population databases (no rsID available, gnomAD 0.002%). This premature translational stop signal has been observed in individual(s) with Joubert syndrome (PMID: 26092869). ClinVar contains an entry for this variant (Variation ID: 217565). For these reasons, this variant has been classified as Pathogenic.

PreventionGenetics, part of Exact Sciences
Classification: Pathogenic for CPLANE1-related condition. Last evaluated: 2022-09-29. Review status: criteria provided, single submitter. Criteria: ACMG Guidelines, 2015. Collection method: clinical testing. Allele origin: germline.
Comment: The CPLANE1 c.8263_8264insG variant is predicted to result in a frameshift and premature protein termination (p.Thr2755Serfs*8). This variant was reported in multiple individuals with Joubert syndrome (Supplementary Table S5, Bachmann-Gagescu et al 2015. PubMed ID: 26092869). This variant is reported in 0.00088% of alleles in individuals of European (Non-Finnish) descent in gnomAD. Frameshift variants in CPLANE1 are expected to be pathogenic. This variant is interpreted as pathogenic.

Fulgent Genetics
Classification: Pathogenic for Orofaciodigital syndrome type 6; Joubert syndrome 17. Last evaluated: 2022-05-13. Review status: criteria provided, single submitter. Criteria: ACMG Guidelines, 2015. Collection method: clinical testing. Allele origin: unknown.

Blueprint Genetics
Classification: Pathogenic for C5ORF42-related disorders. Last evaluated: 2022-04-19. Review status: criteria provided, single submitter. Criteria: ACMG Guidelines, 2015. Collection method: clinical testing. Allele origin: germline. Affected: yes. Observed: 3 variant alleles.

UW Hindbrain Malformation Research Program, University of Washington
Classification: Pathogenic for Joubert syndrome 17. Last evaluated: 2015-02-23. Review status: criteria provided, single submitter. Criteria: Bachmann-Gagescu et al. (J Med Genet. 2015). Collection method: research. Allele origin: unknown. Affected: yes.

Literature cited by the submitters: PubMed 29146704 (cited by Women's Health and Genetics/Laboratory Corporation of America, LabCorp); PubMed 24178751 (cited by Labcorp Genetics (formerly Invitae), Labcorp); PubMed 26092869 (cited by Labcorp Genetics (formerly Invitae), Labcorp).